The following is an entry in ClinVar:

ClinVar aggregate classification (germline): Uncertain significance (1 of 4 stars; one submission).

Conditions:
Hypertrophic cardiomyopathy 14. Identifiers: MedGen C2750467, MONDO:0013197, OMIM 613251.

Submission:

Clinical Genetics Laboratory, University Hospital Schleswig-Holstein
Classification: Uncertain significance for Hypertrophic cardiomyopathy 14. Last evaluated: 2025-03-11. Review status: criteria provided, single submitter. Criteria: ACMG Guidelines, 2015. Collection method: clinical testing. Allele origin: germline. Affected: yes. Observed: 1 heterozygote.
Comment: ACMG criteria applied: PM2, PP3

NM_002471.4(MYH6):c.201+5G>A

Genes: MYH6 (myosin heavy chain 6; minus strand), LOC114827851 (VISTA enhancer hs2155; plus strand). Cytogenetic location: 14q11.2.
Variant type: single nucleotide variant.
Coding change: c.201+5G>A on transcript NM_002471.4 (MANE Select); 5 bases into the intron after coding-DNA position 201, G replaced by A.
Molecular consequence: intron variant.
Genome position (GRCh38, 1-based): chr14:23,407,018, C>T on the plus strand (G>A on the coding strand, the complement: MYH6 is on the minus strand). VCF-style: chr14-23407018-C-T. GRCh37 (hg19) VCF-style: chr14-23876227-C-T.
Identifiers: ClinVar variation 5042029 (VCV005042029.1).